The following is an entry in ClinVar:

ClinVar aggregate classification (germline): Pathogenic. Review status: reviewed by expert panel (3 of 4 stars). 3 submissions from 3 submitters: Pathogenic (1). 2 of the submissions do not count toward it. Last evaluated 2025-12-02.

Conditions:
Glycogen storage disease, type II (IOPD). Also called: Glycogen storage disease type 2; Acid maltase deficiency disease; Aglucosidase alfa; Deficiency of alpha-glucosidase; Deficiency of lysosomal alpha-glucosidase; POMPE DISEASE, INFANTILE-ONSET. Identifiers: Orphanet 365, MedGen C0017921, MONDO:0009290, OMIM 232300.

gnomAD v4.1: 1 of 1,612,546 alleles (0.000062%); highest among the groups gnomAD compares: Non-Finnish European, 0.000085%; no homozygotes.

Submissions (3):

ClinGen Lysosomal Storage Disorder Variant Curation Expert Panel
Classification: Pathogenic for Glycogen storage disease, type II. Last evaluated: 2025-12-02. Review status: reviewed by expert panel. Criteria: clingen_lsd_acmg_specifications_v2-1. Collection method: curation. Allele origin: germline. Inheritance: Autosomal recessive inheritance.
Comment: The NM_000152.5:c.1827C>G (p.Tyr609Ter) variant in GAA is a nonsense variant predicted to cause a premature stop codon in biologically-relevant-exon 12 (GAA has 20 exons), leading to nonsense mediated decay in a gene in which loss-of-function is an established disease mechanism (PVS1). At least two patients have been reported in the literature with this variant and diagnosed with infantile-onset Pompe disease. Both individuals are compound heterozygous for the variant and a second GAA variant, phase unreported, though neither variant has been previously reported or evaluated by the LD VCEP; thus, no points are applied for PM3. The highest population minor allele frequency in gnomAD v4.1.0. is [8.5e-7] (1/1179760 alleles) in the non-Finnish European population, which is lower than the ClinGen Lysosomal Diseases VCEP’s threshold for PM2_Supporting (<0.001), meeting this criterion (PM2_Supporting). There is a ClinVar entry for this variant (Variation ID: 2138117, 1 star review status) with 1 submitter classifying the variant as pathogenic. In summary, this variant meets the criteria to be classified as pathogenic for Pompe disease based on the ACMG/AMP criteria applied, as specified by the ClinGen Lysosomal Diseases Variant Curation Expert Panel (Specifications Version 2.0): PVS1, PP4_moderate, PM2_supporting (Classification approved by the ClinGen Lysosomal Diseases Variant Curation Expert Panel on December 2, 2025)

Genomenon, Inc
Classification: Pathogenic for Glycogen storage disease, type II. Last evaluated: 2026-07-01. Review status: criteria provided, single submitter. Criteria: Genomenon Sequence Variant Interpretation Standards - Updated. Collection method: curation. Allele origin: germline. Affected: yes. Not counted in ClinVar's aggregate classification.
Comment: GAA p.Tyr609Ter (c.1827C>G) is a nonsense variant that introduces a premature stop codon at amino acid position 609 and is predicted to result in a truncated or absent protein product. This variant has been observed in at least one proband with a GAA-related disorder (PMID:33073009;32849613;24269976). It is absent or not present at a significant frequency in gnomAD. In conclusion, we classify GAA p.Tyr609Ter (c.1827C>G) as a pathogenic variant.

Labcorp Genetics (formerly Invitae), Labcorp
Classification: Pathogenic for Glycogen storage disease, type II. Last evaluated: 2025-06-11. Review status: criteria provided, single submitter. Criteria: Invitae Variant Classification Sherloc (09022015). Collection method: clinical testing. Allele origin: germline. Not counted in ClinVar's aggregate classification.
Comment: This sequence change creates a premature translational stop signal (p.Tyr609*) in the GAA gene. It is expected to result in an absent or disrupted protein product. Loss-of-function variants in GAA are known to be pathogenic (PMID: 18425781, 22252923). This variant is not present in population databases (gnomAD no frequency). This premature translational stop signal has been observed in individual(s) with Pompe disease. (PMID: 24269976). ClinVar contains an entry for this variant (Variation ID: 2138117). For these reasons, this variant has been classified as Pathogenic.

Literature cited by the submitters: PubMed 33073009 (cited by Genomenon, Inc); PubMed 32849613 (cited by Genomenon, Inc); PubMed 24269976 (cited by Genomenon, Inc and Labcorp Genetics (formerly Invitae), Labcorp); PubMed 18425781 (cited by Labcorp Genetics (formerly Invitae), Labcorp); PubMed 22252923 (cited by Labcorp Genetics (formerly Invitae), Labcorp).

NM_000152.5(GAA):c.1827C>G (p.Tyr609Ter)

Gene: GAA (alpha glucosidase; plus strand). Cytogenetic location: 17q25.3.
Variant type: single nucleotide variant.
Coding change: c.1827C>G on transcript NM_000152.5 (MANE Select); coding-DNA position 1827, C replaced by G.
Protein change: p.Tyr609Ter; replaces tyrosine 609 with a stop codon.
Molecular consequence: nonsense.
Genome position (GRCh38, 1-based): chr17:80,112,650, C>G. VCF-style: chr17-80112650-C-G. GRCh37 (hg19) VCF-style: chr17-78086449-C-G.
Other names: NM_000152.5(GAA):c.1827C>G; p.Tyr609Ter; c.1827C>G, p.Tyr609Ter (NM_001079803.3, NM_001079804.3, NM_001406741.1 and 1 more transcripts); short protein forms Y609*.
Identifiers: ClinVar variation 2138117 (VCV002138117.5), dbSNP rs745754277, ClinGen allele CA401369534.